The following is an entry in ClinVar:

ClinVar aggregate classification (germline): Benign. Review status: criteria provided, multiple submitters, no conflicts (2 of 4 stars). 3 submissions from 3 submitters: Benign (2). 1 of the submissions does not count toward it. Last evaluated 2025-11-21.

Conditions:
COX7B-related disorder. Also called: COX7B-related condition.

Allele frequency attached by ClinVar (database versions not stated): gnomAD exomes 0.00007 and 0.00021; ExAC 0.00026; ESP Exome Variant Server 0.00038; gnomAD 0.00058 and 0.00059; TOPMed 0.00065; 1000 Genomes Project 0.00132; 1000 Genomes Project 30x 0.00146.
gnomAD v4.1: 138 of 1,198,203 alleles (0.012%); highest among the groups gnomAD compares: African/African-American, 0.23%; no homozygotes.

Submissions (3):

Labcorp Genetics (formerly Invitae), Labcorp
Classification: Benign. Last evaluated: 2025-11-21. Review status: criteria provided, single submitter. Criteria: Invitae Variant Classification Sherloc (09022015). Collection method: clinical testing. Allele origin: germline.

GeneDx
Classification: Benign. Last evaluated: 2016-12-12. Review status: criteria provided, single submitter. Criteria: GeneDx Variant Classification (06012015). Collection method: clinical testing. Allele origin: germline. Affected: yes.
Comment: This variant is considered likely benign or benign based on one or more of the following criteria: it is a conservative change, it occurs at a poorly conserved position in the protein, it is predicted to be benign by multiple in silico algorithms, and/or has population frequency not consistent with disease.

PreventionGenetics, part of Exact Sciences
Classification: Likely benign for COX7B-related condition. Last evaluated: 2020-11-13. Review status: no assertion criteria provided. Collection method: clinical testing. Allele origin: germline. Not counted in ClinVar's aggregate classification.
Comment: This variant is classified as likely benign based on ACMG/AMP sequence variant interpretation guidelines (Richards et al. 2015 PMID: 25741868, with internal and published modifications).

NM_001866.3(COX7B):c.165+10A>G

Gene: COX7B (cytochrome c oxidase subunit 7B; plus strand). Cytogenetic location: Xq21.1.
Variant type: single nucleotide variant.
Coding change: c.165+10A>G on transcript NM_001866.3 (MANE Select); 10 bases into the intron after coding-DNA position 165, A replaced by G.
Molecular consequence: intron variant.
Genome position (GRCh38, 1-based): chrX:77,902,777, A>G. VCF-style: chrX-77902777-A-G. GRCh37 (hg19) VCF-style: chrX-77158274-A-G.
Other names: c.165+10A>G (LRG_1250t1).
Identifiers: ClinVar variation 386711 (VCV000386711.12), dbSNP rs188684470, ClinGen allele CA10458690.